The following is an entry in ClinVar:

ClinVar aggregate classification (germline): Pathogenic. Review status: criteria provided, multiple submitters, no conflicts (2 of 4 stars). 2 submissions from 2 submitters: Pathogenic (2). Last evaluated 2023-01-18.

Conditions:
Hereditary breast ovarian cancer syndrome. Also called: Hereditary breast and ovarian cancer; Breast and ovarian cancer; BRCA1- and BRCA2-Associated Hereditary Breast and Ovarian Cancer; Hereditary breast and/or ovarian cancer syndrome; Hereditary breast and ovarian cancer syndrome; Hereditary breast and ovarian cancer syndrome (HBOC). Identifiers: Orphanet 145, MedGen C0677776, MeSH D061325, MONDO:0003582. Disease mechanism: loss of function.
Hereditary cancer-predisposing syndrome. Also called: Tumor predisposition; Hereditary neoplastic syndrome; Neoplastic Syndromes, Hereditary; Hereditary Cancer Syndrome. Identifiers: Orphanet 140162, MedGen C0027672, MeSH D009386, MONDO:0015356.

Submissions (2):

Ambry Genetics
Classification: Pathogenic for Hereditary cancer-predisposing syndrome. Last evaluated: 2023-01-18. Review status: criteria provided, single submitter. Criteria: Ambry Variant Classification Scheme 2023. Collection method: clinical testing. Allele origin: germline.
Comment: The p.K725* pathogenic mutation (also known as c.2173A>T), located in coding exon 10 of the BRCA2 gene, results from an A to T substitution at nucleotide position 2173. This changes the amino acid from a lysine to a stop codon within coding exon 10. This variant is considered to be rare based on population cohorts in the Genome Aggregation Database (gnomAD). This alteration is expected to result in loss of function by premature protein truncation or nonsense-mediated mRNA decay. As such, this alteration is interpreted as a disease-causing mutation.

Labcorp Genetics (formerly Invitae), Labcorp
Classification: Pathogenic for Hereditary breast ovarian cancer syndrome. Last evaluated: 2022-08-16. Review status: criteria provided, single submitter. Criteria: Invitae Variant Classification Sherloc (09022015). Collection method: clinical testing. Allele origin: germline.
Comment: This sequence change creates a premature translational stop signal (p.Lys725*) in the BRCA2 gene. It is expected to result in an absent or disrupted protein product. Loss-of-function variants in BRCA2 are known to be pathogenic (PMID: 20104584). For these reasons, this variant has been classified as Pathogenic. ClinVar contains an entry for this variant (Variation ID: 1076314). This variant has not been reported in the literature in individuals affected with BRCA2-related conditions. This variant is not present in population databases (gnomAD no frequency).

Literature cited by the submitters: PubMed 20104584 (cited by Labcorp Genetics (formerly Invitae), Labcorp).

NM_000059.4(BRCA2):c.2173A>T (p.Lys725Ter)

Gene: BRCA2 (BRCA2 DNA repair associated; plus strand). Cytogenetic location: 13q13.1.
Variant type: single nucleotide variant.
Coding change: c.2173A>T on transcript NM_000059.4 (MANE Select); coding-DNA position 2173, A replaced by T.
Protein change: p.Lys725Ter; replaces lysine 725 with a stop codon.
Molecular consequence: nonsense.
Genome position (GRCh38, 1-based): chr13:32,336,528, A>T. VCF-style: chr13-32336528-A-T. GRCh37 (hg19) VCF-style: chr13-32910665-A-T.
Other names: c.2173A>T (NM_000059.3); short protein forms K725*.
Identifiers: ClinVar variation 1076314 (VCV001076314.8), dbSNP rs431825294, ClinGen allele CA387770319.
Genomic context (GRCh38, chr13:32,336,528, plus strand): 5'-GAAGCTGATTCTCTGTCATGCCTGCAGGAAGGACAGTGTGAAAATGATCCAAAAAGCAAA[A>T]AAGTTTCAGATATAAAAGAAGAGGTCTTGGCTGCAGCATGTCACCCAGTACAACATTCAA-3'